The following is an entry in ClinVar:

ClinVar aggregate classification (germline): Uncertain significance. Review status: criteria provided, multiple submitters, no conflicts (2 of 4 stars). 2 submissions from 2 submitters: Uncertain significance (2). Last evaluated 2025-06-08.

Conditions:
Immunodeficiency 49 (IMD49). Also called: SEVERE COMBINED IMMUNODEFICIENCY, T CELL-NEGATIVE, B CELL-POSITIVE, NK CELL-POSITIVE, WITH INTELLECTUAL DISABILITY, SPASTICITY, AND CRANIOFACIAL ABNORMALITIES; SCID, T CELL-NEGATIVE, B CELL-POSITIVE, NK CELL-POSITIVE, WITH INTELLECTUAL DISABILITY, SPASTICITY, AND CRANIOFACIAL ABNORMALITIES; IMMUNODEFICIENCY 49, SEVERE COMBINED. Identifiers: MedGen C4310656, MONDO:0014981, OMIM 617237.
BCL11B-related disorder. Also called: BCL11B-Related Disorders.

Allele frequency attached by ClinVar (database versions not stated): gnomAD exomes 0.00002; TOPMed 0.00002; gnomAD 0.00003.
gnomAD v4.1: 33 of 1,554,300 alleles (0.0021%); highest among the groups gnomAD compares: Non-Finnish European, 0.0023%; no homozygotes.

Submissions (2):

Labcorp Genetics (formerly Invitae), Labcorp
Classification: Uncertain significance. Last evaluated: 2025-06-08. Review status: criteria provided, single submitter. Criteria: Invitae Variant Classification Sherloc (09022015). Collection method: clinical testing. Allele origin: germline.
Comment: This sequence change replaces glutamic acid, which is acidic and polar, with aspartic acid, which is acidic and polar, at codon 16 of the BCL11B protein (p.Glu16Asp). The frequency data for this variant in the population databases is considered unreliable, as metrics indicate poor data quality at this position in the gnomAD database. This variant has not been reported in the literature in individuals affected with BCL11B-related conditions. ClinVar contains an entry for this variant (Variation ID: 1982503). Invitae Evidence Modeling of protein sequence and biophysical properties (such as structural, functional, and spatial information, amino acid conservation, physicochemical variation, residue mobility, and thermodynamic stability) indicates that this missense variant is not expected to disrupt BCL11B protein function with a negative predictive value of 95%. In summary, the available evidence is currently insufficient to determine the role of this variant in disease. Therefore, it has been classified as a Variant of Uncertain Significance.

PreventionGenetics, part of Exact Sciences
Classification: Uncertain significance for BCL11B-related condition. Last evaluated: 2022-11-10. Review status: criteria provided, single submitter. Criteria: ACMG Guidelines, 2015. Collection method: clinical testing. Allele origin: germline.
Comment: The BCL11B c.48G>T variant is predicted to result in the amino acid substitution p.Glu16Asp. To our knowledge, this variant has not been reported in the literature. This variant is reported in 0.012% of alleles in individuals of Ashkenazi Jewish descent in gnomAD. At this time, the clinical significance of this variant is uncertain due to the absence of conclusive functional and genetic evidence.

NM_138576.4(BCL11B):c.48G>T (p.Glu16Asp)

Gene: BCL11B (BCL11 transcription factor B; minus strand). Cytogenetic location: 14q32.2.
Variant type: single nucleotide variant.
Coding change: c.48G>T on transcript NM_138576.4 (MANE Select); coding-DNA position 48, G replaced by T.
Protein change: p.Glu16Asp; replaces glutamic acid 16 with aspartic acid.
Molecular consequence: missense variant.
Genome position (GRCh38, 1-based): chr14:99,271,171, C>A on the plus strand (G>T on the coding strand, the complement: BCL11B is on the minus strand). VCF-style: chr14-99271171-C-A. GRCh37 (hg19) VCF-style: chr14-99737508-C-A.
Other names: c.48G>T (NM_022898.2, NM_138576.3); c.48G>T, p.Glu16Asp (NM_001282237.2, NM_001282238.2, NM_022898.3); short protein forms E16D.
Identifiers: ClinVar variation 1982503 (VCV001982503.6), dbSNP rs1027891253, ClinGen allele CA266486928.